The following is an entry in ClinVar:

ClinVar aggregate classification (germline): Uncertain significance. Review status: criteria provided, multiple submitters, no conflicts (2 of 4 stars). 2 submissions from 2 submitters: Uncertain significance (2). Last evaluated 2024-10-28.

Conditions:
Niemann-Pick disease, type C1. Also called: NEUROVISCERAL STORAGE DISEASE WITH VERTICAL SUPRANUCLEAR OPHTHALMOPLEGIA; NIEMANN-PICK DISEASE WITH CHOLESTEROL ESTERIFICATION BLOCK; NIEMANN-PICK DISEASE WITHOUT SPHINGOMYELINASE DEFICIENCY; NIEMANN-PICK DISEASE, CHRONIC NEURONOPATHIC FORM; NIEMANN-PICK DISEASE, VARIANT TYPE C1. Identifiers: Orphanet 646, MedGen C3179455, MONDO:0009757, OMIM 257220.

Allele frequency attached by ClinVar (database versions not stated): ExAC 0.00005; TOPMed 0.00001; gnomAD exomes 0.00002 and 0.00004.
gnomAD v4.1: 11 of 1,614,198 alleles (0.00068%); highest among the groups gnomAD compares: Admixed American, 0.018%; no homozygotes.

Submissions (2):

Labcorp Genetics (formerly Invitae), Labcorp
Classification: Uncertain significance for Niemann-Pick disease, type C1. Last evaluated: 2024-10-28. Review status: criteria provided, single submitter. Criteria: Invitae Variant Classification Sherloc (09022015). Collection method: clinical testing. Allele origin: germline.
Comment: This sequence change replaces threonine, which is neutral and polar, with asparagine, which is neutral and polar, at codon 362 of the NPC1 protein (p.Thr362Asn). This variant is present in population databases (rs761903316, gnomAD 0.03%). This variant has not been reported in the literature in individuals affected with NPC1-related conditions. ClinVar contains an entry for this variant (Variation ID: 596448). Invitae Evidence Modeling of protein sequence and biophysical properties (such as structural, functional, and spatial information, amino acid conservation, physicochemical variation, residue mobility, and thermodynamic stability) indicates that this missense variant is not expected to disrupt NPC1 protein function with a negative predictive value of 95%. In summary, the available evidence is currently insufficient to determine the role of this variant in disease. Therefore, it has been classified as a Variant of Uncertain Significance.

Eurofins Ntd Llc (ga)
Classification: Uncertain significance. Last evaluated: 2018-03-08. Review status: criteria provided, single submitter. Criteria: EGL ClinVar v180209 classification definitions. Collection method: clinical testing. Allele origin: germline. Observed: 1 variant allele, 1 heterozygote.

NM_000271.5(NPC1):c.1085C>A (p.Thr362Asn)

Gene: NPC1 (NPC intracellular cholesterol transporter 1; minus strand). Cytogenetic location: 18q11.2.
Variant type: single nucleotide variant.
Coding change: c.1085C>A on transcript NM_000271.5 (MANE Select); coding-DNA position 1085, C replaced by A.
Protein change: p.Thr362Asn; replaces threonine 362 with asparagine.
Molecular consequence: missense variant.
Genome position (GRCh38, 1-based): chr18:23,556,484, G>T on the plus strand (C>A on the coding strand, the complement: NPC1 is on the minus strand). VCF-style: chr18-23556484-G-T. GRCh37 (hg19) VCF-style: chr18-21136448-G-T.
Other names: short protein forms T362N.
Identifiers: ClinVar variation 596448 (VCV000596448.10), dbSNP rs761903316, ClinGen allele CA8913538.